The following is an entry in ClinVar:

NM_001365088.1(SLC12A6):c.1301G>C (p.Gly434Ala)

Gene: SLC12A6 (solute carrier family 12 member 6; minus strand). Cytogenetic location: 15q14.
Variant type: single nucleotide variant.
Coding change: c.1301G>C on transcript NM_001365088.1 (MANE Select); coding-DNA position 1301, G replaced by C.
Protein change: p.Gly434Ala; replaces glycine 434 with alanine.
Molecular consequence: missense variant.
Genome position (GRCh38, 1-based): chr15:34,252,202, C>G on the plus strand (G>C on the coding strand, the complement: SLC12A6 is on the minus strand). VCF-style: chr15-34252202-C-G. GRCh37 (hg19) VCF-style: chr15-34544403-C-G.
Other names: c.1124G>C, p.Gly375Ala (NM_001042494.2, NM_001042495.2); c.1274G>C, p.Gly425Ala (NM_001042496.2); c.1256G>C, p.Gly419Ala (NM_001042497.2); c.1148G>C, p.Gly383Ala (NM_005135.2); c.1301G>C, p.Gly434Ala (NM_133647.2); short protein forms G383A, G375A, G419A, G434A, G425A.
Identifiers: ClinVar variation 1524472 (VCV001524472.6), dbSNP rs2140735892, ClinGen allele CA391607164.

ClinVar aggregate classification (germline): Uncertain significance (1 of 4 stars; one submission).

Submission:

Labcorp Genetics (formerly Invitae), Labcorp
Classification: Uncertain significance. Last evaluated: 2024-02-24. Review status: criteria provided, single submitter. Criteria: Invitae Variant Classification Sherloc (09022015). Collection method: clinical testing. Allele origin: germline.
Comment: This sequence change replaces glycine, which is neutral and non-polar, with alanine, which is neutral and non-polar, at codon 434 of the SLC12A6 protein (p.Gly434Ala). This variant is not present in population databases (gnomAD no frequency). This variant has not been reported in the literature in individuals affected with SLC12A6-related conditions. ClinVar contains an entry for this variant (Variation ID: 1524472). Advanced modeling of protein sequence and biophysical properties (such as structural, functional, and spatial information, amino acid conservation, physicochemical variation, residue mobility, and thermodynamic stability) performed at Invitae indicates that this missense variant is not expected to disrupt SLC12A6 protein function with a negative predictive value of 80%. In summary, the available evidence is currently insufficient to determine the role of this variant in disease. Therefore, it has been classified as a Variant of Uncertain Significance.